The following is an entry in ClinVar:

NM_000540.3(RYR1):c.10749_10753del (p.Glu3584fs)

Gene: RYR1 (ryanodine receptor 1; plus strand). Cytogenetic location: 19q13.2.
Variant type: Deletion.
Coding change: c.10749_10753del on transcript NM_000540.3 (MANE Select); coding-DNA positions 10749 to 10753, 5 bases deleted (GGAGG; older notation c.10749_10753delGGAGG).
Protein change: p.Glu3584fs; shifts the reading frame from glutamic acid 3584.
Molecular consequence: frameshift variant.
Genome position (GRCh38, 1-based): chr19:38,527,709-38,527,713, GGAGG deleted. VCF-style (leftmost placement, unchanged base first): chr19-38527708-AGGAGG-A. GRCh37 (hg19) VCF-style: chr19-39018348-AGGAGG-A.
Other names: c.10749_10753delGGAGG (NM_000540.2); c.10734_10738del, p.Glu3579fs (NM_001042723.2); short protein forms E3579fs, E3584fs.
Identifiers: ClinVar variation 523935 (VCV000523935.6), dbSNP rs1412691915, ClinGen allele CA633066929.
Genomic context (GRCh38, chr19:38,527,708, plus strand): 5'-TCGAAGGCTCCCCGTCTCTGCGCTGGCAGATGGCTCTGTACCGGGGCGTCCCGGGTCGCG[AGGAGG>A]ACGCCGATGACCCCGAGAAAATCGTGCGCAGAGTCCAGGAAGTGTCAGCCGTGCTCTACT-3'

ClinVar aggregate classification (germline): Pathogenic/Likely pathogenic. Review status: criteria provided, multiple submitters, no conflicts (2 of 4 stars). 2 submissions from 2 submitters: Pathogenic (1); Likely pathogenic (1). Last evaluated 2022-10-25.

Conditions:
RYR1-related disorder. Also called: RYR1-related condition; RYR1-related disorders. Identifiers: MedGen CN239331.

Allele frequency attached by ClinVar (database versions not stated): gnomAD exomes below 0.00001; TOPMed below 0.00001; gnomAD 0.00001.

Submissions (2):

Labcorp Genetics (formerly Invitae), Labcorp
Classification: Pathogenic for RYR1-related disorder. Last evaluated: 2022-10-25. Review status: criteria provided, single submitter. Criteria: Invitae Variant Classification Sherloc (09022015). Collection method: clinical testing. Allele origin: germline.
Comment: For these reasons, this variant has been classified as Pathogenic. This sequence change creates a premature translational stop signal (p.Glu3584Argfs*3) in the RYR1 gene. It is expected to result in an absent or disrupted protein product. Loss-of-function variants in RYR1 are known to be pathogenic (PMID: 20583297, 20839240, 23919265, 28818389). This variant is present in population databases (no rsID available, gnomAD 0.007%). This premature translational stop signal has been observed in individual(s) with autosomal recessive RYR1-related conditions (PMID: 31135626). ClinVar contains an entry for this variant (Variation ID: 523935).

GeneDx
Classification: Likely pathogenic. Last evaluated: 2018-03-24. Review status: criteria provided, single submitter. Criteria: GeneDx Variant Classification (06012015). Collection method: clinical testing. Allele origin: germline. Affected: yes.
Comment: The c.10749_10753delGGAGG variant in the RYR1 gene causes a frameshift starting with codon Glutamic Acid 3584, changes this amino acid to an Arginine residue and creates a premature Stop codon at position 3 of the new reading frame, denoted p.Glu3584ArgfsX3. This variant is predicted to cause loss of normal protein function either through protein truncation or nonsense-mediated mRNA decay. Therefore, this variant is likely pathogenic; however, the possibility that it is benign cannot be excluded.

Literature cited by the submitters: PubMed 20583297 (cited by Labcorp Genetics (formerly Invitae), Labcorp); PubMed 20839240 (cited by Labcorp Genetics (formerly Invitae), Labcorp); PubMed 23919265 (cited by Labcorp Genetics (formerly Invitae), Labcorp); PubMed 28818389 (cited by Labcorp Genetics (formerly Invitae), Labcorp); PubMed 31135626 (cited by Labcorp Genetics (formerly Invitae), Labcorp).